The following is an entry in ClinVar:

NM_015702.3(MMADHC):c.41A>G (p.Tyr14Cys)

Gene: MMADHC (metabolism of cobalamin associated D; minus strand). Cytogenetic location: 2q23.2.
Variant type: single nucleotide variant.
Coding change: c.41A>G on transcript NM_015702.3 (MANE Select); coding-DNA position 41, A replaced by G.
Protein change: p.Tyr14Cys; replaces tyrosine 14 with cysteine.
Molecular consequence: missense variant.
Genome position (GRCh38, 1-based): chr2:149,582,240, T>C on the plus strand (A>G on the coding strand, the complement: MMADHC is on the minus strand). VCF-style: chr2-149582240-T-C. GRCh37 (hg19) VCF-style: chr2-150438754-T-C.
Other names: short protein forms Y14C.
Identifiers: ClinVar variation 650141 (VCV000650141.13), dbSNP rs756550492, ClinGen allele CA1902510.

ClinVar aggregate classification (germline): Uncertain significance. Review status: criteria provided, multiple submitters, no conflicts (2 of 4 stars). 4 submissions from 4 submitters: Uncertain significance (3). 1 of the submissions does not count toward it. Last evaluated 2026-09-19.

Conditions:
Methylmalonic aciduria and homocystinuria type cblD (MAHCD). Also called: Methylmalonic aciduria with homocystinuria cblD type; METHYLMALONIC ACIDEMIA, cblH TYPE. Identifiers: Orphanet 622, Orphanet 79283, MedGen C1848552, MONDO:0010185, OMIM 277410.

Allele frequency attached by ClinVar (database versions not stated): gnomAD exomes below 0.00001 and 0.00001; gnomAD 0.00001; ExAC 0.00002; TOPMed 0.00002.
gnomAD v4.1: 3 of 1,613,686 alleles (0.00019%); highest among the groups gnomAD compares: East Asian, 0.0022%; no homozygotes.

Submissions (4):

GeneDx
Classification: Uncertain significance. Last evaluated: 2026-09-19. Review status: criteria provided, single submitter. Criteria: GeneDx Variant Classification Process June 2021. Collection method: clinical testing. Allele origin: germline.
Comment: Not observed at significant frequency in large population cohorts (gnomAD); In silico analysis supports that this missense variant has a deleterious effect on protein structure/function; Has not been previously published as pathogenic or benign to our knowledge

Labcorp Genetics (formerly Invitae), Labcorp
Classification: Uncertain significance for Methylmalonic aciduria and homocystinuria type cblD. Last evaluated: 2024-09-05. Review status: criteria provided, single submitter. Criteria: Invitae Variant Classification Sherloc (09022015). Collection method: clinical testing. Allele origin: germline.
Comment: This sequence change replaces tyrosine, which is neutral and polar, with cysteine, which is neutral and slightly polar, at codon 14 of the MMADHC protein (p.Tyr14Cys). This variant is present in population databases (rs756550492, gnomAD 0.007%). This variant has not been reported in the literature in individuals affected with MMADHC-related conditions. ClinVar contains an entry for this variant (Variation ID: 650141). Invitae Evidence Modeling of protein sequence and biophysical properties (such as structural, functional, and spatial information, amino acid conservation, physicochemical variation, residue mobility, and thermodynamic stability) indicates that this missense variant is expected to disrupt MMADHC protein function with a positive predictive value of 80%. In summary, the available evidence is currently insufficient to determine the role of this variant in disease. Therefore, it has been classified as a Variant of Uncertain Significance.

Breakthrough Genomics
Classification: Uncertain significance. Review status: criteria provided, single submitter. Criteria: ACMG Guidelines, 2015. Collection method: not provided. Allele origin: germline. Inheritance: Autosomal recessive inheritance. Affected: yes.

Natera, Inc.
Classification: Uncertain significance for Methylmalonic aciduria with homocystinuria cblD type. Last evaluated: 2021-06-22. Review status: no assertion criteria provided. Collection method: clinical testing. Allele origin: germline. Not counted in ClinVar's aggregate classification.